The following is an entry in ClinVar:

ClinVar aggregate classification (germline): Uncertain significance. Review status: criteria provided, multiple submitters, no conflicts (2 of 4 stars). 4 submissions from 4 submitters: Uncertain significance (4). Last evaluated 2026-05-08.

Conditions:
Ehlers-Danlos syndrome, musculocontractural type 2 (EDSMC2). Identifiers: Orphanet 2953, MedGen C3809845, MONDO:0014236, OMIM 615539.
Inborn genetic diseases. Identifiers: MedGen C0950123, MeSH D030342.

Allele frequency attached by ClinVar (database versions not stated): TOPMed 0.00007; gnomAD 0.00005 and 0.00006; ESP Exome Variant Server 0.00015; gnomAD exomes 0.00015 and 0.00007; ExAC 0.00007.
gnomAD v4.1: 221 of 1,614,104 alleles (0.014%); highest among the groups gnomAD compares: Non-Finnish European, 0.018%; no homozygotes.

Submissions (4):

Women's Health and Genetics/Laboratory Corporation of America, LabCorp
Classification: Uncertain significance. Last evaluated: 2026-05-08. Review status: criteria provided, single submitter. Criteria: LabCorp Variant Classification Summary - May 2015. Collection method: clinical testing. Allele origin: germline.
Comment: Variant summary: DSE c.208C>T (p.Arg70Cys) results in a non-conservative amino acid change in the encoded protein sequence. Algorithms developed to predict the effect of missense changes on protein structure and function are either unavailable or do not agree on the potential impact of this missense change. The variant allele was found at a frequency of 6.8e-05 in 251420 control chromosomes. This frequency is not significantly higher than estimated for disease-causing variants in DSE, allowing no conclusion about variant significance. To our knowledge, no occurrence of c.208C>T in individuals affected with DSE-related conditions and no experimental evidence demonstrating its impact on protein function have been reported. ClinVar contains an entry for this variant (Variation ID: 1420411). Based on the evidence outlined above, the variant was classified as uncertain significance.

Mayo Clinic Laboratories, Mayo Clinic
Classification: Uncertain significance. Last evaluated: 2024-02-29. Review status: criteria provided, single submitter. Criteria: ACMG Guidelines, 2015. Collection method: clinical testing. Allele origin: germline. Observed: 1 variant allele.
Comment: BP4, PP2

Ambry Genetics
Classification: Uncertain significance for Inborn genetic diseases. Last evaluated: 2023-10-14. Review status: criteria provided, single submitter. Criteria: Ambry Variant Classification Scheme 2023. Collection method: clinical testing. Allele origin: germline.

Labcorp Genetics (formerly Invitae), Labcorp
Classification: Uncertain significance for Ehlers-Danlos syndrome, musculocontractural type 2. Last evaluated: 2022-06-10. Review status: criteria provided, single submitter. Criteria: Invitae Variant Classification Sherloc (09022015). Collection method: clinical testing. Allele origin: germline.
Comment: This sequence change replaces arginine, which is basic and polar, with cysteine, which is neutral and slightly polar, at codon 70 of the DSE protein (p.Arg70Cys). This variant is present in population databases (rs375337613, gnomAD 0.01%). This variant has not been reported in the literature in individuals affected with DSE-related conditions. Algorithms developed to predict the effect of missense changes on protein structure and function are either unavailable or do not agree on the potential impact of this missense change (SIFT: "Not Available"; PolyPhen-2: "Probably Damaging"; Align-GVGD: "Not Available"). In summary, the available evidence is currently insufficient to determine the role of this variant in disease. Therefore, it has been classified as a Variant of Uncertain Significance.

NM_013352.4(DSE):c.208C>T (p.Arg70Cys)

Gene: DSE (dermatan sulfate epimerase; plus strand). Cytogenetic location: 6q22.1.
Variant type: single nucleotide variant.
Coding change: c.208C>T on transcript NM_013352.4 (MANE Select); coding-DNA position 208, C replaced by T.
Protein change: p.Arg70Cys; replaces arginine 70 with cysteine.
Molecular consequence: missense variant. On other transcripts: 5 prime UTR variant (4), non-coding transcript variant (1).
Genome position (GRCh38, 1-based): chr6:116,399,458, C>T. VCF-style: chr6-116399458-C-T. GRCh37 (hg19) VCF-style: chr6-116720621-C-T.
Other names: p.Arg70Cys; c.208C>T (NM_013352.2); c.208C>T, p.Arg70Cys (NM_001080976.3, NM_001322937.2, NM_001322938.2 and 3 more transcripts); c.265C>T, p.Arg89Cys (NM_001322939.2); c.-350C>T (NM_001322940.2, NM_001322941.2); c.-693C>T (NM_001374520.1); c.-380C>T (NM_001374521.1); short protein forms R70C, R89C.
Identifiers: ClinVar variation 1420411 (VCV001420411.6), dbSNP rs375337613, ClinGen allele CA3969487.
Genomic context (GRCh38, chr6:116,399,458, plus strand): 5'-AGGGCAGAAGTGGCGGAGCTGCAGCTCAGGGCTGCCAGCTCGCACGAGCACATTGCAGCC[C>T]GCCTCACGGAGGCTGTGCACACGATGCTGTCCAGCCCCTTGGAATACCTCCCTCCCTGGG-3'
Protein context (NP_037484.1, residues 60-80): AASSHEHIAA[Arg70Cys]LTEAVHTMLS